The following is an entry in ClinVar:

NM_000238.4(KCNH2):c.2628G>C (p.Glu876Asp)

Gene: KCNH2 (potassium voltage-gated channel subfamily H member 2; minus strand). Cytogenetic location: 7q36.1.
Variant type: single nucleotide variant.
Coding change: c.2628G>C on transcript NM_000238.4 (MANE Select); coding-DNA position 2628, G replaced by C.
Protein change: p.Glu876Asp; replaces glutamic acid 876 with aspartic acid.
Molecular consequence: missense variant. On other transcripts: non-coding transcript variant (2).
Genome position (GRCh38, 1-based): chr7:150,948,508, C>G on the plus strand (G>C on the coding strand, the complement: KCNH2 is on the minus strand). VCF-style: chr7-150948508-C-G. GRCh37 (hg19) VCF-style: chr7-150645596-C-G.
Other names: c.2340G>C, p.Glu780Asp (NM_001406753.1); c.1608G>C, p.Glu536Asp (NM_172057.3); short protein forms E536D, E780D, E876D.
Identifiers: ClinVar variation 4757082 (VCV004757082.1).

ClinVar aggregate classification (germline): Uncertain significance (1 of 4 stars; one submission).

Conditions:
Cardiac arrhythmia. Also called: Arrhythmia; Cardiac rhythm disease. Identifiers: MedGen C0003811, MONDO:0007263, HP:0011675.

Submission:

Color Diagnostics, LLC DBA Color Health
Classification: Uncertain significance for Cardiac arrhythmia. Last evaluated: 2025-06-23. Review status: criteria provided, single submitter. Criteria: ACMG Guidelines, 2015. Collection method: clinical testing. Allele origin: germline.
Comment: This missense variant replaces glutamic acid with aspartic acid at codon 876 of the KCNH2 protein. Computational prediction is inconclusive regarding the impact of this variant on protein structure and function. To our knowledge, functional studies have not been reported for this variant. This variant has not been reported in individuals affected with KCNH2-related disorders in the literature. This variant has not been identified in the general population by the Genome Aggregation Database (gnomAD). The available evidence is insufficient to determine the role of this variant in disease conclusively. Therefore, this variant is classified as a Variant of Uncertain Significance.